The following is an entry in ClinVar:

NM_030665.4(RAI1):c.2680A>G (p.Lys894Glu)

Gene: RAI1 (retinoic acid induced 1; plus strand). Cytogenetic location: 17p11.2.
Variant type: single nucleotide variant.
Coding change: c.2680A>G on transcript NM_030665.4 (MANE Select); coding-DNA position 2680, A replaced by G.
Protein change: p.Lys894Glu; replaces lysine 894 with glutamic acid.
Molecular consequence: missense variant.
Genome position (GRCh38, 1-based): chr17:17,795,628, A>G. VCF-style: chr17-17795628-A-G. GRCh37 (hg19) VCF-style: chr17-17698942-A-G.
Other names: short protein forms K894E.
Identifiers: ClinVar variation 4736859 (VCV004736859.1).
Genomic context (GRCh38, chr17:17,795,628, plus strand): 5'-CTATGTGAGCTCCTGGGCAGCCCCGAGCAGAGGCCTGGCATGCAGGACCCGCTGTCACCC[A>G]AGGCCCCACTCATCTGCACCAAGGAGGAGGTGGAGGAGGTGCTGGACTCCAAGGCCGGCT-3'
Protein context (NP_109590.3, residues 884-904): RPGMQDPLSP[Lys894Glu]APLICTKEEV

ClinVar aggregate classification (germline): Uncertain significance (1 of 4 stars; one submission).

Submission:

Labcorp Genetics (formerly Invitae), Labcorp
Classification: Uncertain significance. Last evaluated: 2025-10-23. Review status: criteria provided, single submitter. Criteria: Invitae Variant Classification Sherloc (09022015). Collection method: clinical testing. Allele origin: germline.
Comment: This sequence change replaces lysine, which is basic and polar, with glutamic acid, which is acidic and polar, at codon 894 of the RAI1 protein (p.Lys894Glu). This variant is not present in population databases (gnomAD no frequency). This variant has not been reported in the literature in individuals affected with RAI1-related conditions. Invitae Evidence Modeling of protein sequence and biophysical properties (such as structural, functional, and spatial information, amino acid conservation, physicochemical variation, residue mobility, and thermodynamic stability) indicates that this missense variant is not expected to disrupt RAI1 protein function with a negative predictive value of 80%. In summary, the available evidence is currently insufficient to determine the role of this variant in disease. Therefore, it has been classified as a Variant of Uncertain Significance.